The following is an entry in ClinVar:

NM_001142800.2(EYS):c.6510C>T (p.Asn2170=)

Gene: EYS (EGF-like photoreceptor maintenance factor; minus strand). Cytogenetic location: 6q12.
Variant type: single nucleotide variant.
Coding change: c.6510C>T on transcript NM_001142800.2 (MANE Select); coding-DNA position 6510, C replaced by T.
Protein change: p.Asn2170=; no amino-acid change (asparagine 2170 retained).
Molecular consequence: synonymous variant.
Genome position (GRCh38, 1-based): chr6:64,081,917, G>A on the plus strand (C>T on the coding strand, the complement: EYS is on the minus strand). VCF-style: chr6-64081917-G-A. GRCh37 (hg19) VCF-style: chr6-64791810-G-A.
Other names: c.6510C>T, p.Asn2170= (NM_001292009.2).
Identifiers: ClinVar variation 911842 (VCV000911842.15), dbSNP rs756110037, ClinGen allele CA3876908.

ClinVar aggregate classification (germline): Conflicting classifications of pathogenicity. Review status: criteria provided, conflicting classifications (1 of 4 stars). 5 submissions from 5 submitters: Uncertain significance (1); Likely benign (3). 1 of the submissions does not count toward it. Last evaluated 2025-12-08.

Conditions:
EYS-related disorder. Also called: EYS-related condition.
Retinitis pigmentosa (RP). Identifiers: Orphanet 791, MedGen C0035334, MeSH D012174, MONDO:0019200, OMIM 268000. Inheritance: Autosomal dominant, autosomal recessive and X linked inheritance.
Retinitis pigmentosa 25 (RP25). Identifiers: Orphanet 791, MedGen C1864446, MONDO:0011272, OMIM 602772.

Allele frequency attached by ClinVar (database versions not stated): ExAC 0.00005; gnomAD exomes 0.00005; gnomAD 0.00008; TOPMed 0.00008.
gnomAD v4.1: 93 of 1,542,252 alleles (0.006%); highest among the groups gnomAD compares: Non-Finnish European, 0.0047%; no homozygotes.

Submissions (5):

Labcorp Genetics (formerly Invitae), Labcorp
Classification: Likely benign. Last evaluated: 2025-12-08. Review status: criteria provided, single submitter. Criteria: Invitae Variant Classification Sherloc (09022015). Collection method: clinical testing. Allele origin: germline.

PreventionGenetics, part of Exact Sciences
Classification: Likely benign for EYS-related condition. Last evaluated: 2025-05-22. Review status: criteria provided, single submitter. Criteria: ACMG Guidelines, 2015. Collection method: clinical testing. Allele origin: germline.
Comment: This variant is classified as likely benign based on ACMG/AMP sequence variant interpretation guidelines (Richards et al. 2015 PMID: 25741868, with internal and published modifications).

Blueprint Genetics
Classification: Likely benign. Last evaluated: 2024-06-26. Review status: criteria provided, single submitter. Criteria: ACMG Guidelines, 2015. Collection method: clinical testing. Allele origin: germline.

Illumina Laboratory Services, Illumina
Classification: Uncertain significance for Retinitis pigmentosa. Last evaluated: 2018-01-13. Review status: criteria provided, single submitter. Criteria: ICSL Variant Classification Criteria 13 December 2019. Collection method: clinical testing. Allele origin: germline.

Natera, Inc.
Classification: Likely benign for Retinitis pigmentosa type 25. Last evaluated: 2021-07-24. Review status: no assertion criteria provided. Collection method: clinical testing. Allele origin: germline. Not counted in ClinVar's aggregate classification.